The following is an entry in ClinVar:

NM_001040108.2(MLH3):c.2055T>G (p.Asn685Lys)

Gene: MLH3 (mutL homolog 3; minus strand). Cytogenetic location: 14q24.3.
Variant type: single nucleotide variant.
Coding change: c.2055T>G on transcript NM_001040108.2 (MANE Select); coding-DNA position 2055, T replaced by G.
Protein change: p.Asn685Lys; replaces asparagine 685 with lysine.
Molecular consequence: missense variant.
Genome position (GRCh38, 1-based): chr14:75,047,601, A>C on the plus strand (T>G on the coding strand, the complement: MLH3 is on the minus strand). VCF-style: chr14-75047601-A-C. GRCh37 (hg19) VCF-style: chr14-75514304-A-C.
Other names: c.2055T>G, p.Asn685Lys (NM_014381.3); short protein forms N685K.
Identifiers: ClinVar variation 4108619 (VCV004108619.1).

ClinVar aggregate classification (germline): Uncertain significance (1 of 4 stars; one submission).

gnomAD v4.1: 1 of 1,614,088 alleles (0.000062%); highest among the groups gnomAD compares: East Asian, 0.0022%; no homozygotes.

Submission:

Ambry Genetics
Classification: Uncertain significance. Last evaluated: 2025-06-21. Review status: criteria provided, single submitter. Criteria: Ambry Variant Classification Scheme 2023. Collection method: clinical testing. Allele origin: germline.
Comment: The p.N685K variant (also known as c.2055T>G), located in coding exon 1 of the MLH3 gene, results from a T to G substitution at nucleotide position 2055. The asparagine at codon 685 is replaced by lysine, an amino acid with similar properties. This amino acid position is conserved. In addition, this alteration is predicted to be tolerated by in silico analysis. Based on the available evidence, the clinical significance of this variant remains unclear.